The following is an entry in ClinVar:

NM_006757.4(TNNT3):c.226G>A (p.Asp76Asn)

Gene: TNNT3 (troponin T3, fast skeletal type; plus strand). Cytogenetic location: 11p15.5.
Variant type: single nucleotide variant.
Coding change: c.226G>A on transcript NM_006757.4 (MANE Select); coding-DNA position 226, G replaced by A.
Protein change: p.Asp76Asn; replaces aspartic acid 76 with asparagine.
Molecular consequence: missense variant.
Genome position (GRCh38, 1-based): chr11:1,933,775, G>A. VCF-style: chr11-1933775-G-A. GRCh37 (hg19) VCF-style: chr11-1955005-G-A.
Other names: c.202G>A, p.Asp68Asn (NM_001042780.3, NM_001042782.3, NM_001297646.2 and 2 more transcripts); c.220G>A, p.Asp74Asn (NM_001042781.3, NM_001367842.1, NM_001367843.1); c.259G>A, p.Asp87Asn (NM_001367846.1); c.235G>A, p.Asp79Asn (NM_001367847.1, NM_001363561.2); c.223G>A, p.Asp75Asn (NM_001367848.1); c.22G>A, p.Asp8Asn (NM_001367852.1, NM_001367851.1); c.214G>A, p.Asp72Asn (NM_001367849.1); c.169G>A, p.Asp57Asn (NM_001367850.1); short protein forms D68N, D72N, D74N, D75N, D76N, D79N, D87N, D8N.
Identifiers: ClinVar variation 1983548 (VCV001983548.4), dbSNP rs1854118122, ClinGen allele CA379096560.

ClinVar aggregate classification (germline): Uncertain significance (1 of 4 stars; one submission).

Allele frequency attached by ClinVar (database versions not stated): gnomAD exomes below 0.00001; TOPMed below 0.00001; gnomAD 0.00001.

Submission:

Labcorp Genetics (formerly Invitae), Labcorp
Classification: Uncertain significance. Last evaluated: 2023-11-11. Review status: criteria provided, single submitter. Criteria: Invitae Variant Classification Sherloc (09022015). Collection method: clinical testing. Allele origin: germline.
Comment: This sequence change replaces aspartic acid, which is acidic and polar, with asparagine, which is neutral and polar, at codon 76 of the TNNT3 protein (p.Asp76Asn). This variant is not present in population databases (gnomAD no frequency). This variant has not been reported in the literature in individuals affected with TNNT3-related conditions. ClinVar contains an entry for this variant (Variation ID: 1983548). An algorithm developed to predict the effect of missense changes on protein structure and function (PolyPhen-2) suggests that this variant is likely to be disruptive. In summary, the available evidence is currently insufficient to determine the role of this variant in disease. Therefore, it has been classified as a Variant of Uncertain Significance.